The following is an entry in ClinVar:

NC_000022.11:g.40345933T>C

Gene: ADSL (adenylosuccinate lyase; plus strand). Cytogenetic location: 22q13.1.
Variant type: single nucleotide variant.
Genome position: GRCh38 VCF-style: chr22-40345933-T-C. GRCh37 (hg19) VCF-style: chr22-40741937-T-C.
Identifiers: ClinVar variation 1402082 (VCV001402082.3), dbSNP rs1273326006, ClinGen allele CA639407960.

ClinVar aggregate classification (germline): Uncertain significance (1 of 4 stars; one submission).

Conditions:
Adenylosuccinate lyase deficiency (ADSLD). Also called: ADSL DEFICIENCY. Identifiers: Orphanet 46, MedGen C0268126, MONDO:0007068, OMIM 103050.

Allele frequency attached by ClinVar (database versions not stated): gnomAD 0.00001.

Submission:

Labcorp Genetics (formerly Invitae), Labcorp
Classification: Uncertain significance for Adenylosuccinate lyase deficiency. Last evaluated: 2022-03-19. Review status: criteria provided, single submitter. Criteria: Invitae Variant Classification Sherloc (09022015). Collection method: clinical testing. Allele origin: germline.
Comment: This variant occurs in a non-coding region of the ADSL gene. It does not change the encoded amino acid sequence of the ADSL protein. This variant is present in population databases (no rsID available, gnomAD 0.007%). This variant has not been reported in the literature in individuals affected with ADSL-related conditions. Experimental studies and prediction algorithms are not available or were not evaluated, and the functional significance of this variant is currently unknown. In summary, the available evidence is currently insufficient to determine the role of this variant in disease. Therefore, it has been classified as a Variant of Uncertain Significance.